The following is an entry in ClinVar:

NM_198578.4(LRRK2):c.6133A>G (p.Arg2045Gly)

Gene: LRRK2 (leucine rich repeat kinase 2; plus strand). Cytogenetic location: 12q12.
Variant type: single nucleotide variant.
Coding change: c.6133A>G on transcript NM_198578.4 (MANE Select); coding-DNA position 6133, A replaced by G.
Protein change: p.Arg2045Gly; replaces arginine 2045 with glycine.
Molecular consequence: missense variant.
Genome position (GRCh38, 1-based): chr12:40,346,776, A>G. VCF-style: chr12-40346776-A-G. GRCh37 (hg19) VCF-style: chr12-40740578-A-G.
Other names: short protein forms R2045G.
Identifiers: ClinVar variation 2489810 (VCV002489810.2), dbSNP rs1013556510, ClinGen allele CA235338729.

ClinVar aggregate classification (germline): Uncertain significance (1 of 4 stars; one submission).

Conditions:
Inborn genetic diseases. Identifiers: MedGen C0950123, MeSH D030342.

Allele frequency attached by ClinVar (database versions not stated): TOPMed below 0.00001.

Submission:

Ambry Genetics
Classification: Uncertain significance for Inborn genetic diseases. Last evaluated: 2023-02-27. Review status: criteria provided, single submitter. Criteria: Ambry Variant Classification Scheme 2023. Collection method: clinical testing. Allele origin: germline.
Comment: The p.R2045G variant (also known as c.6133A>G), located in coding exon 42 of the LRRK2 gene, results from an A to G substitution at nucleotide position 6133. The arginine at codon 2045 is replaced by glycine, an amino acid with dissimilar properties. This amino acid position is conserved. In addition, the in silico prediction for this alteration is inconclusive. Since supporting evidence is limited at this time, the clinical significance of this alteration remains unclear.